The following is an entry in ClinVar:

ClinVar aggregate classification (germline): Pathogenic (1 of 4 stars; one submission).

Submission:

GeneDx
Classification: Pathogenic. Last evaluated: 2019-09-03. Review status: criteria provided, single submitter. Criteria: GeneDx Variant Classification Process June 2021. Collection method: clinical testing. Allele origin: germline. Affected: yes.
Comment: Not observed in large population cohorts (Lek et al., 2016); In silico analysis, which includes protein predictors and evolutionary conservation, supports a deleterious effect; Has not been previously published as pathogenic or benign to our knowledge

NM_006245.4(PPP2R5D):c.757C>G (p.Arg253Gly)

Gene: PPP2R5D (protein phosphatase 2 regulatory subunit B'delta; plus strand). Cytogenetic location: 6p21.1.
Variant type: single nucleotide variant.
Coding change: c.757C>G on transcript NM_006245.4 (MANE Select); coding-DNA position 757, C replaced by G.
Protein change: p.Arg253Gly; replaces arginine 253 with glycine.
Molecular consequence: missense variant.
Genome position (GRCh38, 1-based): chr6:43,007,965, C>G. VCF-style: chr6-43007965-C-G. GRCh37 (hg19) VCF-style: chr6-42975703-C-G.
Other names: c.304C>G, p.Arg102Gly (NM_001270476.2); c.661C>G, p.Arg221Gly (NM_180976.3); c.439C>G, p.Arg147Gly (NM_180977.3); short protein forms R102G, R147G, R221G, R253G.
Identifiers: ClinVar variation 1218767 (VCV001218767.3), dbSNP rs2150279781, ClinGen allele CA364189170.